The following is an entry in ClinVar:

NM_144670.6(A2ML1):c.3967A>C (p.Asn1323His)

Gene: A2ML1 (alpha-2-macroglobulin like 1; plus strand). Cytogenetic location: 12p13.31.
Variant type: single nucleotide variant.
Coding change: c.3967A>C on transcript NM_144670.6 (MANE Select); coding-DNA position 3967, A replaced by C.
Protein change: p.Asn1323His; replaces asparagine 1323 with histidine.
Molecular consequence: missense variant.
Genome position (GRCh38, 1-based): chr12:8,868,263, A>C. VCF-style: chr12-8868263-A-C. GRCh37 (hg19) VCF-style: chr12-9020859-A-C.
Other names: c.3967A>C (NM_144670.5); c.2494A>C, p.Asn832His (NM_001282424.3); short protein forms N832H, N1323H.
Identifiers: ClinVar variation 696031 (VCV000696031.17), dbSNP rs200176373, ClinGen allele CA6436543.

ClinVar aggregate classification (germline): Conflicting classifications of pathogenicity. Review status: criteria provided, conflicting classifications (1 of 4 stars). 5 submissions from 5 submitters: Uncertain significance (2); Benign (1); Likely benign (2). Last evaluated 2026-06-07.

Conditions:
A2ML1-related disorder. Also called: A2ML1-related condition.

Allele frequency attached by ClinVar (database versions not stated): ESP Exome Variant Server 0.00025; 1000 Genomes Project 30x 0.00031; TOPMed 0.00033; 1000 Genomes Project 0.00040; gnomAD 0.00043.
gnomAD v4.1: 115 of 1,613,782 alleles (0.0071%); highest among the groups gnomAD compares: African/African-American, 0.12%; no homozygotes.

Submissions (5):

PreventionGenetics, part of Exact Sciences
Classification: Likely benign for A2ML1-related condition. Last evaluated: 2026-06-07. Review status: criteria provided, single submitter. Criteria: ACMG Guidelines, 2015. Collection method: clinical testing. Allele origin: germline.
Comment: This variant is classified as likely benign based on ACMG/AMP sequence variant interpretation guidelines (Richards et al. 2015 PMID: 25741868, with internal and published modifications).

Labcorp Genetics (formerly Invitae), Labcorp
Classification: Likely benign. Last evaluated: 2025-12-21. Review status: criteria provided, single submitter. Criteria: Invitae Variant Classification Sherloc (09022015). Collection method: clinical testing. Allele origin: germline.

Revvity Omics, Revvity
Classification: Uncertain significance. Last evaluated: 2021-09-03. Review status: criteria provided, single submitter. Criteria: ACMG Guidelines, 2015. Collection method: clinical testing. Allele origin: germline.

GeneDx
Classification: Benign. Last evaluated: 2021-05-06. Review status: criteria provided, single submitter. Criteria: GeneDx Variant Classification Process June 2021. Collection method: clinical testing. Allele origin: germline. Affected: yes.

New York Genome Center
Classification: Uncertain significance. Last evaluated: 2019-09-13. Review status: criteria provided, single submitter. Criteria: NYGC Assertion Criteria 2020. Collection method: clinical testing. Allele origin: maternal. Inheritance: Autosomal dominant inheritance. Affected: yes. Observed: 1 heterozygote. Study: CSER-NYCKidSeq.